The following is an entry in ClinVar:

ClinVar aggregate classification (germline): Pathogenic (1 of 4 stars; one submission).

Conditions:
Mandibulofacial dysostosis-microcephaly syndrome (MFDGA). Also called: Mandibulofacial dysostosis, Guion-Almeida type; Growth and mental retardation, mandibulofacial dysostosis, microcephaly, and cleft palate. Identifiers: Orphanet 79113, MedGen C1864652, MONDO:0012516, OMIM 610536.

Submission:

Molecular Genetics Laboratory, Motol Hospital
Classification: Pathogenic for Mandibulofacial dysostosis-microcephaly syndrome. Last evaluated: 2024-12-06. Review status: criteria provided, single submitter. Criteria: ACMG Guidelines, 2015. Collection method: clinical testing. Allele origin: de novo. Affected: yes. Observed: 1 variant allele.
Comment: The variant was confirmed to be of a de novo origin. Rare truncating variants affecting the EFTUD2 gene are documented as a molecular cause of "Guion-Almeida type of mandibulofacial dysostosis" (MFDGA, OMIM:610536) (PMID:22305528;16760738;32408545;26507355). To conclude, the variant is classified as pathogenic (ACMG PVS1, PM2, PS2).

Literature cited by the submitters: PubMed 22305528; PubMed 16760738; PubMed 32408545; PubMed 26507355.

NM_004247.4(EFTUD2):c.1842T>G (p.Tyr614Ter)

Gene: EFTUD2 (elongation factor Tu GTP binding domain containing 2; minus strand). Cytogenetic location: 17q21.31.
Variant type: single nucleotide variant.
Coding change: c.1842T>G on transcript NM_004247.4 (MANE Select); coding-DNA position 1842, T replaced by G.
Protein change: p.Tyr614Ter; replaces tyrosine 614 with a stop codon.
Molecular consequence: nonsense.
Genome position (GRCh38, 1-based): chr17:44,859,923, A>C on the plus strand (T>G on the coding strand, the complement: EFTUD2 is on the minus strand). VCF-style: chr17-44859923-A-C. GRCh37 (hg19) VCF-style: chr17-42937291-A-C.
Other names: c.1737T>G, p.Tyr579Ter (NM_001142605.2); c.1842T>G, p.Tyr614Ter (NM_001258353.2); c.1812T>G, p.Tyr604Ter (NM_001258354.2); short protein forms Y579*, Y604*, Y614*.
Identifiers: ClinVar variation 3383968 (VCV003383968.2).